The following is an entry in ClinVar:

ClinVar aggregate classification (germline): Uncertain significance (1 of 4 stars; one submission).

gnomAD v4.1: 2 of 1,614,018 alleles (0.00012%); highest among the groups gnomAD compares: African/African-American, 0.0013%; no homozygotes.

Submission:

Labcorp Genetics (formerly Invitae), Labcorp
Classification: Uncertain significance. Last evaluated: 2025-05-21. Review status: criteria provided, single submitter. Criteria: Invitae Variant Classification Sherloc (09022015). Collection method: clinical testing. Allele origin: germline.
Comment: This sequence change replaces aspartic acid, which is acidic and polar, with asparagine, which is neutral and polar, at codon 185 of the DCHS1 protein (p.Asp185Asn). This variant is present in population databases (rs752242958, gnomAD 0.0009%). This variant has not been reported in the literature in individuals affected with DCHS1-related conditions. Invitae Evidence Modeling of protein sequence and biophysical properties (such as structural, functional, and spatial information, amino acid conservation, physicochemical variation, residue mobility, and thermodynamic stability) indicates that this missense variant is not expected to disrupt DCHS1 protein function with a negative predictive value of 95%. In summary, the available evidence is currently insufficient to determine the role of this variant in disease. Therefore, it has been classified as a Variant of Uncertain Significance.

NM_003737.4(DCHS1):c.553G>A (p.Asp185Asn)

Gene: DCHS1 (dachsous cadherin-related 1; minus strand). Cytogenetic location: 11p15.4.
Variant type: single nucleotide variant.
Coding change: c.553G>A on transcript NM_003737.4 (MANE Select); coding-DNA position 553, G replaced by A.
Protein change: p.Asp185Asn; replaces aspartic acid 185 with asparagine.
Molecular consequence: missense variant.
Genome position (GRCh38, 1-based): chr11:6,641,061, C>T on the plus strand (G>A on the coding strand, the complement: DCHS1 is on the minus strand). VCF-style: chr11-6641061-C-T. GRCh37 (hg19) VCF-style: chr11-6662292-C-T.
Other names: short protein forms D185N.
Identifiers: ClinVar variation 4696174 (VCV004696174.1).